The following is an entry in ClinVar:

ClinVar aggregate classification (germline): Uncertain significance (1 of 4 stars; one submission).

Submission:

Labcorp Genetics (formerly Invitae), Labcorp
Classification: Uncertain significance. Last evaluated: 2021-09-30. Review status: criteria provided, single submitter. Criteria: Invitae Variant Classification Sherloc (09022015). Collection method: clinical testing. Allele origin: germline.
Comment: Algorithms developed to predict the effect of missense changes on protein structure and function (SIFT, PolyPhen-2, Align-GVGD) all suggest that this variant is likely to be disruptive. Algorithms developed to predict the effect of sequence changes on RNA splicing suggest that this variant may create or strengthen a splice site. In summary, the available evidence is currently insufficient to determine the role of this variant in disease. Therefore, it has been classified as a Variant of Uncertain Significance. This variant has not been reported in the literature in individuals affected with GNA11-related conditions. This variant is not present in population databases (ExAC no frequency). This sequence change replaces asparagine with serine at codon 274 of the GNA11 protein (p.Asn274Ser). The asparagine residue is highly conserved and there is a small physicochemical difference between asparagine and serine.

NM_002067.5(GNA11):c.821A>G (p.Asn274Ser)

Gene: GNA11 (G protein subunit alpha 11; plus strand). Cytogenetic location: 19p13.3.
Variant type: single nucleotide variant.
Coding change: c.821A>G on transcript NM_002067.5 (MANE Select); coding-DNA position 821, A replaced by G.
Protein change: p.Asn274Ser; replaces asparagine 274 with serine.
Molecular consequence: missense variant.
Genome position (GRCh38, 1-based): chr19:3,119,291, A>G. VCF-style: chr19-3119291-A-G. GRCh37 (hg19) VCF-style: chr19-3119289-A-G.
Other names: short protein forms N274S.
Identifiers: ClinVar variation 1493662 (VCV001493662.6), dbSNP rs2145326980, ClinGen allele CA403311043.